The following is an entry in ClinVar:

NM_000540.3(RYR1):c.11155G>C (p.Asp3719His)

Gene: RYR1 (ryanodine receptor 1; plus strand). Cytogenetic location: 19q13.2.
Variant type: single nucleotide variant.
Coding change: c.11155G>C on transcript NM_000540.3 (MANE Select); coding-DNA position 11155, G replaced by C.
Protein change: p.Asp3719His; replaces aspartic acid 3719 with histidine.
Molecular consequence: missense variant.
Genome position (GRCh38, 1-based): chr19:38,532,503, G>C. VCF-style: chr19-38532503-G-C. GRCh37 (hg19) VCF-style: chr19-39023143-G-C.
Other names: c.11140G>C, p.Asp3714His (NM_001042723.2); short protein forms D3714H, D3719H.
Identifiers: ClinVar variation 3069706 (VCV003069706.2), dbSNP rs746082533, ClinGen allele CA308084112.

ClinVar aggregate classification (germline): Uncertain significance (1 of 4 stars; one submission).

Conditions:
Malignant hyperthermia, susceptibility to, 1 (MHS1). Also called: RYR1-Related Malignant Hyperthermia Susceptibility; Anesthesia related hyperthermia; Malignant hyperpyrexia; Fulminating hyperpyrexia; Pharmacogenic myopathy; Malignant hyperthermia suceptibility 1. Identifiers: Orphanet 423, MedGen C2930980, MONDO:0007783, OMIM 145600.

gnomAD v4.1: 5 of 1,614,178 alleles (0.00031%); highest among the groups gnomAD compares: Non-Finnish European, 0.00042%; no homozygotes.

Submission:

All of Us Research Program, National Institutes of Health
Classification: Uncertain significance for Malignant hyperthermia, susceptibility to, 1. Last evaluated: 2024-06-09. Review status: criteria provided, single submitter. Criteria: ACMG Guidelines, 2015. Collection method: clinical testing. Allele origin: germline. Inheritance: Autosomal dominant inheritance. Observed: 2 variant alleles, 2 heterozygotes.
Comment: This missense variant replaces aspartic acid with histidine at codon 3719 of the RYR1 protein. Computational prediction suggests that this variant may have deleterious impact on protein structure and function (internally defined REVEL score threshold >= 0.7, PMID: 27666373). To our knowledge, functional studies have not been reported for this variant. This variant has not been reported in individuals affected with RYR1-related disorders in the literature. This variant has not been identified in the general population by the Genome Aggregation Database (gnomAD). The available evidence is insufficient to determine the role of this variant in disease conclusively. Therefore, this variant is classified as a Variant of Uncertain Significance.

This study involves interpretation of variants in research participants for the purpose of population health screening. Participant phenotype was not available at the time of variant classification. Additional details can be found in publication PMID: 35346344, PMCID: PMC8962531